The following is an entry in ClinVar:

ClinVar aggregate classification (germline): Uncertain significance (1 of 4 stars; one submission).

Conditions:
Hereditary cancer-predisposing syndrome. Also called: Neoplastic Syndromes, Hereditary; Tumor predisposition; Hereditary neoplastic syndrome; Hereditary Cancer Syndrome. Identifiers: Orphanet 140162, MedGen C0027672, MeSH D009386, MONDO:0015356.

Submission:

Ambry Genetics
Classification: Uncertain significance for Hereditary cancer-predisposing syndrome. Last evaluated: 2024-02-23. Review status: criteria provided, single submitter. Criteria: Ambry Variant Classification Scheme 2023. Collection method: clinical testing. Allele origin: germline.
Comment: The p.H906P variant (also known as c.2717A>C), located in coding exon 11 of the MET gene, results from an A to C substitution at nucleotide position 2717. The histidine at codon 906 is replaced by proline, an amino acid with similar properties. This amino acid position is conserved. In addition, this alteration is predicted to be tolerated by in silico analysis. Based on the available evidence, the clinical significance of this alteration remains unclear.

NM_000245.4(MET):c.2663A>C (p.His888Pro)

Gene: MET (MET proto-oncogene, receptor tyrosine kinase; plus strand). Cytogenetic location: 7q31.2.
Variant type: single nucleotide variant.
Coding change: c.2663A>C on transcript NM_000245.4 (MANE Select); coding-DNA position 2663, A replaced by C.
Protein change: p.His888Pro; replaces histidine 888 with proline.
Molecular consequence: missense variant.
Genome position (GRCh38, 1-based): chr7:116,769,724, A>C. VCF-style: chr7-116769724-A-C. GRCh37 (hg19) VCF-style: chr7-116409778-A-C.
Other names: c.2717A>C, p.His906Pro (NM_001127500.3); c.2663A>C, p.His888Pro (NM_001324401.3); c.1373A>C, p.His458Pro (NM_001324402.2); short protein forms H458P, H888P, H906P.
Identifiers: ClinVar variation 3232948 (VCV003232948.1), dbSNP rs1584953276, ClinGen allele CA368985609.